The following is an entry in ClinVar:

NM_001040458.3(ERAP1):c.*321T>C

Gene: ERAP1 (endoplasmic reticulum aminopeptidase 1; minus strand). Cytogenetic location: 5q15.
Variant type: single nucleotide variant.
Coding change: c.*321T>C on transcript NM_001040458.3 (MANE Select); 321 bases downstream of the stop codon, T replaced by C.
Molecular consequence: 3 prime UTR variant. On other transcripts: intron variant (2).
Genome position (GRCh38, 1-based): chr5:96,776,075, A>G on the plus strand (T>C on the coding strand, the complement: ERAP1 is on the minus strand). VCF-style: chr5-96776075-A-G. GRCh37 (hg19) VCF-style: chr5-96111779-A-G.
Other names: c.*321T>C (NM_001198541.3); c.2818+329T>C (NM_001349244.2, NM_016442.5).
Identifiers: ClinVar variation 1252875 (VCV001252875.2), dbSNP rs17481334, ClinGen allele CA3351767.

ClinVar aggregate classification (germline): Benign (1 of 4 stars; one submission).

Allele frequency attached by ClinVar (database versions not stated): 1000 Genomes Project 0.05950; 1000 Genomes Project 30x 0.06012; TOPMed 0.08654; gnomAD 0.09002 and 0.09055; gnomAD exomes 0.09269 and 0.11729; ExAC 0.11679.
gnomAD v4.1: 143,300 of 1,259,044 alleles (11%); highest among the groups gnomAD compares: Non-Finnish European, 13%; 8,949 homozygotes.

Submission:

GeneDx
Classification: Benign. Last evaluated: 2019-01-09. Review status: criteria provided, single submitter. Criteria: GeneDx Variant Classification Process June 2021. Collection method: clinical testing. Allele origin: germline. Affected: yes.
Comment: This variant is associated with the following publications: (PMID: 28746870)